The following is an entry in ClinVar:

ClinVar aggregate classification (germline): Uncertain significance (1 of 4 stars; one submission).

Allele frequency attached by ClinVar (database versions not stated): TOPMed below 0.00001.

Submission:

Labcorp Genetics (formerly Invitae), Labcorp
Classification: Uncertain significance. Last evaluated: 2022-06-20. Review status: criteria provided, single submitter. Criteria: Invitae Variant Classification Sherloc (09022015). Collection method: clinical testing. Allele origin: germline.
Comment: In summary, the available evidence is currently insufficient to determine the role of this variant in disease. Therefore, it has been classified as a Variant of Uncertain Significance. Advanced modeling of protein sequence and biophysical properties (such as structural, functional, and spatial information, amino acid conservation, physicochemical variation, residue mobility, and thermodynamic stability) performed at Invitae indicates that this missense variant is not expected to disrupt COL11A2 protein function. This variant has not been reported in the literature in individuals affected with COL11A2-related conditions. This variant is not present in population databases (gnomAD no frequency). This sequence change replaces proline, which is neutral and non-polar, with threonine, which is neutral and polar, at codon 99 of the COL11A2 protein (p.Pro99Thr).

NM_080680.3(COL11A2):c.295C>A (p.Pro99Thr)

Gene: COL11A2 (collagen type XI alpha 2 chain; minus strand). Cytogenetic location: 6p21.32.
Variant type: single nucleotide variant.
Coding change: c.295C>A on transcript NM_080680.3 (MANE Select); coding-DNA position 295, C replaced by A.
Protein change: p.Pro99Thr; replaces proline 99 with threonine.
Molecular consequence: missense variant.
Genome position (GRCh38, 1-based): chr6:33,189,126, G>T on the plus strand (C>A on the coding strand, the complement: COL11A2 is on the minus strand). VCF-style: chr6-33189126-G-T. GRCh37 (hg19) VCF-style: chr6-33156903-G-T.
Other names: c.295C>A, p.Pro99Thr (NM_001163771.2, NM_080679.3, NM_080681.3); short protein forms P99T.
Identifiers: ClinVar variation 1400153 (VCV001400153.8), dbSNP rs1772781423, ClinGen allele CA363612705.